The following is an entry in ClinVar:

NM_004544.4(NDUFA10):c.865C>T (p.Arg289Cys)

Gene: NDUFA10 (NADH:ubiquinone oxidoreductase subunit A10; minus strand). Cytogenetic location: 2q37.3.
Variant type: single nucleotide variant.
Coding change: c.865C>T on transcript NM_004544.4 (MANE Select); coding-DNA position 865, C replaced by T.
Protein change: p.Arg289Cys; replaces arginine 289 with cysteine.
Molecular consequence: missense variant. On other transcripts: non-coding transcript variant (4).
Genome position (GRCh38, 1-based): chr2:240,005,235, G>A on the plus strand (C>T on the coding strand, the complement: NDUFA10 is on the minus strand). VCF-style: chr2-240005235-G-A. GRCh37 (hg19) VCF-style: chr2-240944652-G-A.
Other names: c.865C>T, p.Arg289Cys (NM_001322019.2, NM_001322020.2); short protein forms R289C.
Identifiers: ClinVar variation 335200 (VCV000335200.9), dbSNP rs762669820, ClinGen allele CA2200827.
Genomic context (GRCh38, chr2:240,005,235, plus strand): 5'-CAGACATGCAGCAGCCCCCACACAGATGCACTTACAGTAATCGCAGGTGGTATAAAGTGC[G>A]ATTGTCCTGCTTGAGCCACGGCCCTTTATCGAACTTCAGGTATTCAATGTCCTCTACCAC-3'
Protein context (NP_004535.1, residues 279-299): DKGPWLKQDN[Arg289Cys]TLYHLRLLVQ

ClinVar aggregate classification (germline): Uncertain significance. Review status: criteria provided, multiple submitters, no conflicts (2 of 4 stars). 3 submissions from 2 submitters: Uncertain significance (3). Last evaluated 2025-12-08.

Conditions:
Leigh syndrome (NULS). Also called: Leigh's syndrome; Leigh Syndrome (mtDNA deletion); Leigh Disease; Leigh's necrotizing encephalopathy; Leigh's disease; Subacute necrotizing encephalopathy. Identifiers: Orphanet 506, MedGen C2931891, MONDO:0009723, OMIM 256000.
Mitochondrial complex I deficiency, nuclear type 1. Also called: NADH-COENZYME Q REDUCTASE DEFICIENCY; MITOCHONDRIAL NADH DEHYDROGENASE COMPONENT OF COMPLEX I, DEFICIENCY OF. Identifiers: MedGen C6022305, MONDO:0100224, OMIM 252010.

Allele frequency attached by ClinVar (database versions not stated): ExAC 0.00002; gnomAD 0.00003; gnomAD exomes 0.00003 and 0.00006; TOPMed 0.00004.
gnomAD v4.1: 91 of 1,613,890 alleles (0.0056%); highest among the groups gnomAD compares: East Asian, 0.058%; no homozygotes.

Submissions (3):

Labcorp Genetics (formerly Invitae), Labcorp
Classification: Uncertain significance. Last evaluated: 2025-12-08. Review status: criteria provided, single submitter. Criteria: Invitae Variant Classification Sherloc (09022015). Collection method: clinical testing. Allele origin: germline.
Comment: This sequence change replaces arginine, which is basic and polar, with cysteine, which is neutral and slightly polar, at codon 289 of the NDUFA10 protein (p.Arg289Cys). This variant is present in population databases (rs762669820, gnomAD 0.02%). This variant has not been reported in the literature in individuals affected with NDUFA10-related conditions. ClinVar contains an entry for this variant (Variation ID: 335200). Invitae Evidence Modeling of protein sequence and biophysical properties (such as structural, functional, and spatial information, amino acid conservation, physicochemical variation, residue mobility, and thermodynamic stability) indicates that this missense variant is not expected to disrupt NDUFA10 protein function with a negative predictive value of 80%. In summary, the available evidence is currently insufficient to determine the role of this variant in disease. Therefore, it has been classified as a Variant of Uncertain Significance.

Illumina Laboratory Services, Illumina
Classification: Uncertain significance for Mitochondrial complex I deficiency, nuclear type 1. Last evaluated: 2018-01-12. Review status: criteria provided, single submitter. Criteria: ICSL Variant Classification Criteria 13 December 2019. Collection method: clinical testing. Allele origin: germline.

Illumina Laboratory Services, Illumina
Classification: Uncertain significance for Leigh syndrome. Last evaluated: 2018-01-12. Review status: criteria provided, single submitter. Criteria: ICSL Variant Classification Criteria 13 December 2019. Collection method: clinical testing. Allele origin: germline.